The following is an entry in ClinVar:

ClinVar aggregate classification (germline): Uncertain significance (1 of 4 stars; one submission).

Conditions:
Cardiac anomalies - developmental delay - facial dysmorphism syndrome (MRFACD). Also called: Impaired intellectual development and distinctive facial features with or without cardiac defects; MED13L Syndrome. Identifiers: Orphanet 369891, MedGen C5192431, MONDO:0014773, OMIM 616789.

Allele frequency attached by ClinVar (database versions not stated): gnomAD exomes below 0.00001; ExAC 0.00001.

Submission:

Victorian Clinical Genetics Services, Murdoch Childrens Research Institute
Classification: Uncertain significance for Cardiac anomalies - developmental delay - facial dysmorphism syndrome. Last evaluated: 2022-06-24. Review status: criteria provided, single submitter. Criteria: ACMG Guidelines, 2015. Collection method: clinical testing. Allele origin: germline. Inheritance: Autosomal dominant inheritance.
Comment: Based on the classification scheme VCGS_Germline_v1.3.4, this variant is classified as VUS-3B. Following criteria are met: 0102 - Loss of function is a known mechanism of disease in this gene and is associated with impaired intellectual development and distinctive facial features with or without cardiac defects (MIM#616789). (I) 0107 - This gene is associated with autosomal dominant disease. (I) 0115 - Variants in this gene are known to have variable expressivity (PMID: 29511999). (I) 0200 - Variant is predicted to result in a missense amino acid change from methionine to threonine. (I) 0251 - This variant is heterozygous. (I) 0302 - Variant is present in gnomAD <0.001 for a dominant condition (v2: 1 heterozygote, 0 homozygote). (SP) 0502 - Missense variant with conflicting in silico predictions and uninformative conservation. (I) 0604 - Variant is not located in an established domain, motif, hotspot or informative constraint region. (I) 0705 - No comparable missense variants have previous evidence for pathogenicity. (I) 0807 - This variant has no previous evidence of pathogenicity. (I) 0905 - No published segregation evidence has been identified for this variant. (I) 1007 - No published functional evidence has been identified for this variant. (I) 1208 - Inheritance information for this variant is not currently available in this individual. (I) Legend: (SP) - Supporting pathogenic, (I) - Information, (SB) - Supporting benign

Literature cited by the submitters: PubMed 29511999.

NM_015335.5(MED13L):c.404T>C (p.Met135Thr)

Gene: MED13L (mediator complex subunit 13L; minus strand). Cytogenetic location: 12q24.21.
Variant type: single nucleotide variant.
Coding change: c.404T>C on transcript NM_015335.5 (MANE Select); coding-DNA position 404, T replaced by C.
Protein change: p.Met135Thr; replaces methionine 135 with threonine.
Molecular consequence: missense variant.
Genome position (GRCh38, 1-based): chr12:116,096,744, A>G on the plus strand (T>C on the coding strand, the complement: MED13L is on the minus strand). VCF-style: chr12-116096744-A-G. GRCh37 (hg19) VCF-style: chr12-116534549-A-G.
Other names: short protein forms M135T.
Identifiers: ClinVar variation 1699309 (VCV001699309.3), dbSNP rs752482619, ClinGen allele CA6811681.